The following is an entry in ClinVar:

NM_001282874.2(SMARCA1):c.1940T>C (p.Ile647Thr)

Gene: SMARCA1 (SNF2 related chromatin remodeling ATPase 1; minus strand). Cytogenetic location: Xq25.
Variant type: single nucleotide variant.
Coding change: c.1940T>C on transcript NM_001282874.2 (MANE Select); coding-DNA position 1940, T replaced by C.
Protein change: p.Ile647Thr; replaces isoleucine 647 with threonine.
Molecular consequence: missense variant.
Genome position (GRCh38, 1-based): chrX:129,490,068, A>G on the plus strand (T>C on the coding strand, the complement: SMARCA1 is on the minus strand). VCF-style: chrX-129490068-A-G. GRCh37 (hg19) VCF-style: chrX-128624045-A-G.
Other names: c.1904T>C, p.Ile635Thr (NM_001282875.2, NM_001378262.1, NM_001378263.1 and 1 more transcripts); c.1940T>C, p.Ile647Thr (NM_001378261.1, NM_003069.5); short protein forms I635T, I647T.
Identifiers: ClinVar variation 3901128 (VCV003901128.1).
Genomic context (GRCh38, chrX:129,490,068, plus strand): 5'-AACTACATGTGTTTTACAAAAAACACCTAATTAAGTTTCTATGTATAAATACCTTGTTGT[A>G]TAACAATTGAATCGAGTCTCAGTTTTATCTCAGCTCTTTCTACAATCCTCTCTTCAACAG-3'
Protein context (NP_001269803.1, residues 637-657): EIKLRLDSIV[Ile647Thr]QQGRLIDQQS

ClinVar aggregate classification (germline): Uncertain significance (1 of 4 stars; one submission).

Conditions:
Neurodevelopmental disorder. Identifiers: MedGen C1535926, MeSH D065886, MONDO:0700092.

gnomAD v4.1: 2 of 1,182,088 alleles (0.00017%); highest among the groups gnomAD compares: Non-Finnish European, 0.00023%; no homozygotes.

Submission:

Developmental Brain Disorders Lab, Seattle Children's Hospital
Classification: Uncertain significance for Neurodevelopmental disorder. Last evaluated: 2025-05-01. Review status: criteria provided, single submitter. Criteria: ACMG Guidelines, 2015. Collection method: research. Allele origin: maternal. Affected: yes.
Comment: This is a missense variant that is present at a very low frequency in gnomAD v4.1.0 (allele frequency 0.000001692) including 1 hemizygous individual. It is predicted to have a deleterious effect through computational prediction tools. It meets ACMG variant classification criteria (PM2, PP3) (PMID:25741868).